The following is an entry in ClinVar:

NM_000138.5(FBN1):c.151G>A (p.Asp51Asn)

Gene: FBN1 (fibrillin 1; minus strand). Cytogenetic location: 15q21.1.
Variant type: single nucleotide variant.
Coding change: c.151G>A on transcript NM_000138.5 (MANE Select); coding-DNA position 151, G replaced by A.
Protein change: p.Asp51Asn; replaces aspartic acid 51 with asparagine.
Molecular consequence: missense variant.
Genome position (GRCh38, 1-based): chr15:48,644,619, C>T on the plus strand (G>A on the coding strand, the complement: FBN1 is on the minus strand). VCF-style: chr15-48644619-C-T. GRCh37 (hg19) VCF-style: chr15-48936816-C-T.
Other names: short protein forms D51N.
Identifiers: ClinVar variation 1329355 (VCV001329355.4), dbSNP rs2140787467, ClinGen allele CA392453472.
Genomic context (GRCh38, chr15:48,644,619, plus strand): 5'-TTGAAACTTGGGAGACCCACACCAAAGGAGGGAACCGGTTCCTTTACCCTTTAAGCGCGT[C>T]GTGTCCTCCACCGCCTCTTCTCTTGGCCCGACTGGCTCTGGTTTCCTTCACGTTCCCAGC-3'
Protein context (NP_000129.3, residues 41-61): RAKRRGGGGH[Asp51Asn]ALKGPNVCGS

ClinVar aggregate classification (germline): Uncertain significance. Review status: criteria provided, multiple submitters, no conflicts (2 of 4 stars). 3 submissions from 3 submitters: Uncertain significance (3). Last evaluated 2024-08-13.

Conditions:
Marfan syndrome (MFS). Also called: Marfan syndrome type 1; Marfan's syndrome; FBN1-Related Marfan Syndrome; MARFAN SYNDROME, TYPE I; Marfan syndrome, classic. Identifiers: Orphanet 284963, Orphanet 558, MedGen C0024796, MONDO:0007947, OMIM 154700.
Familial thoracic aortic aneurysm and aortic dissection (TAAD). Also called: Thoracic aortic aneurysms and dissections. Identifiers: Orphanet 91387, MedGen C4707243, MONDO:0019625.

gnomAD v4.1: 1 of 1,614,188 alleles (0.000062%); highest among the groups gnomAD compares: Non-Finnish European, 0.000085%; no homozygotes.

Submissions (3):

All of Us Research Program, National Institutes of Health
Classification: Uncertain significance for Marfan syndrome. Last evaluated: 2024-08-13. Review status: criteria provided, single submitter. Criteria: ACMG Guidelines, 2015. Collection method: clinical testing. Allele origin: germline. Inheritance: Autosomal dominant inheritance. Observed: 1 variant allele, 1 heterozygote.
Comment: This missense variant replaces aspartic acid with asparagine at codon 51 of the FBN1 protein. Computational prediction suggests that this variant may not impact protein structure and function (internally defined REVEL score threshold <= 0.5, PMID: 27666373). To our knowledge, functional studies have not been reported for this variant. This variant has not been reported in individuals affected with FBN1-related disorders in the literature. This variant has not been identified in the general population by the Genome Aggregation Database (gnomAD). The available evidence is insufficient to determine the role of this variant in disease conclusively. Therefore, this variant is classified as a Variant of Uncertain Significance.

This study involves interpretation of variants in research participants for the purpose of population health screening. Participant phenotype was not available at the time of variant classification. Additional details can be found in publication PMID: 35346344, PMCID: PMC8962531

Color Diagnostics, LLC DBA Color Health
Classification: Uncertain significance for Familial thoracic aortic aneurysm and aortic dissection. Last evaluated: 2024-07-30. Review status: criteria provided, single submitter. Criteria: ACMG Guidelines, 2015. Collection method: clinical testing. Allele origin: germline.
Comment: This missense variant replaces aspartic acid with asparagine at codon 51 of the FBN1 protein. Computational prediction suggests that this variant may not impact protein structure and function. To our knowledge, functional studies have not been reported for this variant. This variant has not been reported in individuals affected with FBN1-related disorders in the literature. This variant has not been identified in the general population by the Genome Aggregation Database (gnomAD). The available evidence is insufficient to determine the role of this variant in disease conclusively. Therefore, this variant is classified as a Variant of Uncertain Significance.

CHEO Genetics Diagnostic Laboratory, Children's Hospital of Eastern Ontario
Classification: Uncertain significance for Familial thoracic aortic aneurysm and aortic dissection. Last evaluated: 2021-02-23. Review status: criteria provided, single submitter. Criteria: ACMG Guidelines, 2015. Collection method: clinical testing. Allele origin: germline.